The following is an entry in ClinVar:

ClinVar aggregate classification (germline): Uncertain significance. Review status: criteria provided, multiple submitters, no conflicts (2 of 4 stars). 2 submissions from 2 submitters: Uncertain significance (2). Last evaluated 2023-11-07.

Conditions:
Inborn genetic diseases. Identifiers: MedGen C0950123, MeSH D030342.

Allele frequency attached by ClinVar (database versions not stated): ExAC 0.00001; gnomAD 0.00001.
gnomAD v4.1: 5 of 1,609,102 alleles (0.00031%); highest among the groups gnomAD compares: African/African-American, 0.0053%; no homozygotes.

Submissions (2):

Women's Health and Genetics/Laboratory Corporation of America, LabCorp
Classification: Uncertain significance. Last evaluated: 2023-11-07. Review status: criteria provided, single submitter. Criteria: LabCorp Variant Classification Summary - May 2015. Collection method: clinical testing. Allele origin: germline.
Comment: Variant summary: ADGRL1 c.3727C>A (p.Pro1243Thr) results in a non-conservative amino acid change located in the GPCR, family 2, latrophilin, C-terminal (IPR003334) of the encoded protein sequence. Five of five in-silico tools predict a damaging effect of the variant on protein function. The variant allele was found at a frequency of 8.3e-06 in 242058 control chromosomes. The available data on variant occurrences in the general population are insufficient to allow any conclusion about variant significance. To our knowledge, no occurrence of c.3727C>A in individuals affected with Developmental Delay, Behavioral Abnormalities, And Neuropsychiatric Disorders and no experimental evidence demonstrating its impact on protein function have been reported. No submitters have cited clinical-significance assessments for this variant to ClinVar after 2014. Based on the evidence outlined above, the variant was classified as uncertain significance.

Ambry Genetics
Classification: Uncertain significance for Inborn genetic diseases. Last evaluated: 2023-10-05. Review status: criteria provided, single submitter. Criteria: Ambry Variant Classification Scheme 2023. Collection method: clinical testing. Allele origin: germline.

NM_014921.5(ADGRL1):c.3712C>A (p.Pro1238Thr)

Genes: ADGRL1 (adhesion G protein-coupled receptor L1; minus strand), ADGRL1-AS1 (ADGRL1 antisense RNA 1; plus strand). Cytogenetic location: 19p13.12.
Variant type: single nucleotide variant.
Coding change: c.3712C>A on transcript NM_014921.5 (MANE Select); coding-DNA position 3712, C replaced by A.
Protein change: p.Pro1238Thr; replaces proline 1238 with threonine.
Molecular consequence: missense variant.
Genome position (GRCh38, 1-based): chr19:14,151,571, G>T on the plus strand (C>A on the coding strand, the complement: ADGRL1 is on the minus strand). VCF-style: chr19-14151571-G-T. GRCh37 (hg19) VCF-style: chr19-14262383-G-T.
Other names: c.3727C>A, p.Pro1243Thr (NM_001008701.3); c.3727C>A (NM_001008701.2); short protein forms P1238T, P1243T.
Identifiers: ClinVar variation 2682363 (VCV002682363.2), dbSNP rs761036639, ClinGen allele CA9249960.